The following is an entry in ClinVar:

NM_006790.3(MYOT):c.571G>C (p.Gly191Arg)

Genes: MYOT (myotilin; plus strand), PKD2L2-DT (PKD2L2 divergent transcript; minus strand). Cytogenetic location: 5q31.2.
Variant type: single nucleotide variant.
Coding change: c.571G>C on transcript NM_006790.3 (MANE Select); coding-DNA position 571, G replaced by C.
Protein change: p.Gly191Arg; replaces glycine 191 with arginine.
Molecular consequence: missense variant.
Genome position (GRCh38, 1-based): chr5:137,877,559, G>C. VCF-style: chr5-137877559-G-C. GRCh37 (hg19) VCF-style: chr5-137213248-G-C.
Other names: c.19G>C, p.Gly7Arg (NM_001135940.2); c.226G>C, p.Gly76Arg (NM_001300911.2); short protein forms G191R, G7R, G76R.
Identifiers: ClinVar variation 260036 (VCV000260036.20), dbSNP rs199789331, ClinGen allele CA3422956.

ClinVar aggregate classification (germline): Benign/Likely benign. Review status: criteria provided, multiple submitters, no conflicts (2 of 4 stars). 7 submissions from 7 submitters: Benign (2); Likely benign (5). Last evaluated 2026-03-23.

Conditions:
Myofibrillar myopathy 3 (MFM3). Also called: Muscular dystrophy, proximal, type 1A; Autosomal dominant spheroid body myopathy. Identifiers: Orphanet 266, Orphanet 268129, MedGen C3714934, MONDO:0012215, OMIM 609200.

Allele frequency attached by ClinVar (database versions not stated): gnomAD 0.00012 and 0.00017; TOPMed 0.00014; ExAC 0.00026; gnomAD exomes 0.00034; 1000 Genomes Project 30x 0.00125; 1000 Genomes Project 0.00140.

Submissions (7):

Women's Health and Genetics/Laboratory Corporation of America, LabCorp
Classification: Likely benign. Last evaluated: 2026-03-23. Review status: criteria provided, single submitter. Criteria: LabCorp Variant Classification Summary - May 2015. Collection method: clinical testing. Allele origin: germline.

Labcorp Genetics (formerly Invitae), Labcorp
Classification: Likely benign for Myofibrillar myopathy 3. Last evaluated: 2025-10-27. Review status: criteria provided, single submitter. Criteria: Invitae Variant Classification Sherloc (09022015). Collection method: clinical testing. Allele origin: germline.

Mayo Clinic Laboratories, Mayo Clinic
Classification: Benign. Last evaluated: 2025-04-15. Review status: criteria provided, single submitter. Criteria: ACMG Guidelines, 2015. Collection method: clinical testing. Allele origin: germline. Observed: 1 variant allele.
Comment: BS1, BS2

Blueprint Genetics
Classification: Likely benign. Last evaluated: 2024-10-22. Review status: criteria provided, single submitter. Criteria: ACMG Guidelines, 2015. Collection method: clinical testing. Allele origin: germline.

Eurofins Ntd Llc (ga)
Classification: Likely benign. Last evaluated: 2018-05-25. Review status: criteria provided, single submitter. Criteria: EGL ClinVar v180209 classification definitions. Collection method: clinical testing. Allele origin: germline. Observed: 2 variant alleles, 2 heterozygotes.

Athena Diagnostics
Classification: Benign. Last evaluated: 2017-04-13. Review status: criteria provided, single submitter. Criteria: Athena Diagnostics Criteria. Collection method: clinical testing. Allele origin: germline.

PreventionGenetics, part of Exact Sciences
Classification: Likely benign. Review status: criteria provided, single submitter. Criteria: ACMG Guidelines, 2015. Collection method: clinical testing. Allele origin: germline.